The following is an entry in ClinVar:

ClinVar aggregate classification (germline): Uncertain significance. Review status: criteria provided, multiple submitters, no conflicts (2 of 4 stars). 2 submissions from 2 submitters: Uncertain significance (2). Last evaluated 2024-08-31.

Conditions:
Familial acute necrotizing encephalopathy (IIAE3). Also called: ENCEPHALOPATHY, ACUTE, INFECTION-INDUCED, SUSCEPTIBILITY TO, 3; Susceptibility to Acute Necrotizing Encephalopathy 1. Identifiers: Orphanet 88619, MedGen C2675556, MONDO:0011953, OMIM 608033.

Allele frequency attached by ClinVar (database versions not stated): gnomAD exomes below 0.00001; TOPMed 0.00001.

Submissions (2):

Labcorp Genetics (formerly Invitae), Labcorp
Classification: Uncertain significance for Familial acute necrotizing encephalopathy. Last evaluated: 2024-08-31. Review status: criteria provided, single submitter. Criteria: Invitae Variant Classification Sherloc (09022015). Collection method: clinical testing. Allele origin: germline.
Comment: This sequence change replaces tyrosine, which is neutral and polar, with histidine, which is basic and polar, at codon 598 of the RANBP2 protein (p.Tyr598His). This variant is present in population databases (no rsID available, gnomAD 0.006%). This variant has not been reported in the literature in individuals affected with RANBP2-related conditions. ClinVar contains an entry for this variant (Variation ID: 2473697). An algorithm developed to predict the effect of missense changes on protein structure and function (PolyPhen-2) suggests that this variant is likely to be tolerated. In summary, the available evidence is currently insufficient to determine the role of this variant in disease. Therefore, it has been classified as a Variant of Uncertain Significance.

Ambry Genetics
Classification: Uncertain significance. Last evaluated: 2023-03-06. Review status: criteria provided, single submitter. Criteria: Ambry Variant Classification Scheme 2023. Collection method: clinical testing. Allele origin: germline.

NM_006267.5(RANBP2):c.1792T>C (p.Tyr598His)

Gene: RANBP2 (RAN binding protein 2; plus strand). Cytogenetic location: 2q13.
Variant type: single nucleotide variant.
Coding change: c.1792T>C on transcript NM_006267.5 (MANE Select); coding-DNA position 1792, T replaced by C.
Protein change: p.Tyr598His; replaces tyrosine 598 with histidine.
Molecular consequence: missense variant.
Genome position (GRCh38, 1-based): chr2:108,753,034, T>C. VCF-style: chr2-108753034-T-C. GRCh37 (hg19) VCF-style: chr2-109369490-T-C.
Other names: c.1792T>C, p.Tyr598His (NM_001415871.1, NM_001415873.1); c.1789T>C, p.Tyr597His (NM_001415872.1); short protein forms Y598H, Y597H.
Identifiers: ClinVar variation 2473697 (VCV002473697.4), dbSNP rs1352540315, ClinGen allele CA348051294.